The following is an entry in ClinVar:

NM_006516.4(SLC2A1):c.679+7G>T

Gene: SLC2A1 (solute carrier family 2 member 1; minus strand). Cytogenetic location: 1p34.2.
Variant type: single nucleotide variant.
Coding change: c.679+7G>T on transcript NM_006516.4 (MANE Select); 7 bases into the intron after coding-DNA position 679, G replaced by T.
Molecular consequence: intron variant.
Genome position (GRCh38, 1-based): chr1:42,929,866, C>A on the plus strand (G>T on the coding strand, the complement: SLC2A1 is on the minus strand). VCF-style: chr1-42929866-C-A. GRCh37 (hg19) VCF-style: chr1-43395537-C-A.
Other names: p.?; c.679+7G>T (NM_006516.3).
Identifiers: ClinVar variation 139161 (VCV000139161.24), dbSNP rs13306757, ClinGen allele CA019263.

ClinVar aggregate classification (germline): Benign/Likely benign. Review status: criteria provided, multiple submitters, no conflicts (2 of 4 stars). 13 submissions from 8 submitters: Benign (11); Likely benign (2). Last evaluated 2026-01-26.

Conditions:
Paroxysmal central nervous system disorders.
Hereditary cryohydrocytosis with reduced stomatin. Also called: Stomatin-deficient cryohydrocytosis with neurologic defects; GLUT1 DEFICIENCY SYNDROME WITH PSEUDOHYPERKALEMIA AND HEMOLYSIS. Identifiers: Orphanet 168577, MedGen C1837206, MONDO:0012143, OMIM 608885.
GLUT1 deficiency syndrome 1, autosomal recessive. Identifiers: MedGen C3149117.
Encephalopathy due to GLUT1 deficiency. Also called: GLUCOSE TRANSPORT DEFECT, BLOOD-BRAIN BARRIER; De Vivo disease; Glucose transporter protein syndrome; Classic Glucose Transporter Type 1 Deficiency Syndrome; GLUT1 deficiency syndrome 1; GLUT1 deficiency syndrome 1, infantile onset, severe. Identifiers: Orphanet 71277, MedGen C4551966, MONDO:0011724, OMIM 606777.
Dystonia 9 (DYT9). Also called: CHOREOATHETOSIS, KINESIGENIC, WITH EPISODIC ATAXIA AND SPASTICITY. Identifiers: Orphanet 53583, MedGen C1832855, MONDO:0010983, OMIM 601042.
Childhood onset GLUT1 deficiency syndrome 2. Also called: PAROXYSMAL EXERCISE-INDUCED DYSKINESIA WITH OR WITHOUT EPILEPSY AND/OR HEMOLYTIC ANEMIA; PAROXYSMAL EXERTION-INDUCED DYSTONIA WITH OR WITHOUT EPILEPSY AND/OR HEMOLYTIC ANEMIA; PED WITH OR WITHOUT EPILEPSY AND/OR HEMOLYTIC ANEMIA; Paroxysmal exercise-induced dystonia; GLUT1 deficiency syndrome 2; Exertion-induced paroxysmal dyskinesia. Identifiers: Orphanet 98811, MedGen C1842534, MONDO:0012805, OMIM 612126.
Epilepsy, idiopathic generalized, susceptibility to, 12 (EIG12). Identifiers: MedGen C3553859, MONDO:0013919, OMIM 614847.

Allele frequency attached by ClinVar (database versions not stated): TOPMed 0.00257; 1000 Genomes Project 30x 0.00671; 1000 Genomes Project 0.00719.
gnomAD v4.1: 2,323 of 1,614,092 alleles (0.14%); highest among the groups gnomAD compares: East Asian, 4.4%; 43 homozygotes.

Submissions (13):

Labcorp Genetics (formerly Invitae), Labcorp
Classification: Benign for GLUT1 deficiency syndrome 1, autosomal recessive. Last evaluated: 2026-01-26. Review status: criteria provided, single submitter. Criteria: Invitae Variant Classification Sherloc (09022015). Collection method: clinical testing. Allele origin: germline.

Cambridge Genomics Laboratory, East Genomic Laboratory Hub, NHS Genomic Medicine Service
Classification: Likely benign for Paroxysmal central nervous system disorders. Last evaluated: 2025-03-12. Review status: criteria provided, single submitter. Criteria: ACGS Best Practice Guidelines for Variant Classification in Rare Disease 2020. Collection method: clinical testing. Allele origin: germline. Affected: yes.
Comment: BS1_Strong,BP4

Mayo Clinic Laboratories, Mayo Clinic
Classification: Likely benign. Last evaluated: 2024-06-11. Review status: criteria provided, single submitter. Criteria: ACMG Guidelines, 2015. Collection method: clinical testing. Allele origin: germline. Observed: 5 variant alleles.
Comment: BP4, BP7

Genome-Nilou Lab
Classification: Benign for Epilepsy, idiopathic generalized, susceptibility to, 12. Last evaluated: 2023-04-11. Review status: criteria provided, single submitter. Criteria: ACMG Guidelines, 2015. Collection method: clinical testing. Allele origin: germline. Affected: no.

Genome-Nilou Lab
Classification: Benign for Dystonia 9. Last evaluated: 2023-04-11. Review status: criteria provided, single submitter. Criteria: ACMG Guidelines, 2015. Collection method: clinical testing. Allele origin: germline. Affected: no.

Genome-Nilou Lab
Classification: Benign for Encephalopathy due to GLUT1 deficiency. Last evaluated: 2023-04-11. Review status: criteria provided, single submitter. Criteria: ACMG Guidelines, 2015. Collection method: clinical testing. Allele origin: germline. Affected: no.

Genome-Nilou Lab
Classification: Benign for Childhood onset GLUT1 deficiency syndrome 2. Last evaluated: 2023-04-11. Review status: criteria provided, single submitter. Criteria: ACMG Guidelines, 2015. Collection method: clinical testing. Allele origin: germline. Affected: no.

Genome-Nilou Lab
Classification: Benign for Hereditary cryohydrocytosis with reduced stomatin. Last evaluated: 2023-04-11. Review status: criteria provided, single submitter. Criteria: ACMG Guidelines, 2015. Collection method: clinical testing. Allele origin: germline. Affected: no.

Illumina Laboratory Services, Illumina
Classification: Benign for Encephalopathy due to GLUT1 deficiency. Last evaluated: 2018-01-13. Review status: criteria provided, single submitter. Criteria: ICSL Variant Classification Criteria 13 December 2019. Collection method: clinical testing. Allele origin: germline.
Comment: This variant was observed in the ICSL laboratory as part of a predisposition screen in an ostensibly healthy population. It had not been previously curated by ICSL or reported in the Human Gene Mutation Database (HGMD: prior to June 1st, 2018), and was therefore a candidate for classification through an automated scoring system. Utilizing variant allele frequency, disease prevalence and penetrance estimates, and inheritance mode, an automated score was calculated to assess if this variant is too frequent to cause the disease. Based on the score and internal cut-off values, a variant classified as benign is not then subjected to further curation. The score for this variant resulted in a classification of benign for this disease.

Illumina Laboratory Services, Illumina
Classification: Benign for Dystonia 9. Last evaluated: 2018-01-13. Review status: criteria provided, single submitter. Criteria: ICSL Variant Classification Criteria 13 December 2019. Collection method: clinical testing. Allele origin: germline.
Comment: the same text as in the submission from Illumina Laboratory Services, Illumina above.

Eurofins Ntd Llc (ga)
Classification: Benign. Last evaluated: 2015-09-03. Review status: criteria provided, single submitter. Criteria: EGL Classification Definitions 2015. Collection method: clinical testing. Allele origin: germline. Observed: 1 variant allele, 1 heterozygote.

Genetic Services Laboratory, University of Chicago
Classification: Benign. Last evaluated: 2013-02-08. Review status: criteria provided, single submitter. Criteria: ACMG Guidelines, 2007. Collection method: clinical testing. Allele origin: germline. Inheritance: Autosomal dominant inheritance.

GeneDx
Classification: Benign. Last evaluated: 2012-10-18. Review status: criteria provided, single submitter. Criteria: GeneDx Variant Classification (06012015). Collection method: clinical testing. Allele origin: germline. Affected: yes.
Comment: This variant is considered likely benign or benign based on one or more of the following criteria: it is a conservative change, it occurs at a poorly conserved position in the protein, it is predicted to be benign by multiple in silico algorithms, and/or has population frequency not consistent with disease.